The following is an entry in ClinVar:

ClinVar aggregate classification (germline): Pathogenic (1 of 4 stars; one submission).

Conditions:
Primary ciliary dyskinesia 3. Identifiers: Orphanet 244, MedGen C1837618, MONDO:0012085, OMIM 608644.

Submission:

Myriad Genetics, Inc.
Classification: Pathogenic for Primary ciliary dyskinesia 3. Last evaluated: 2024-05-14. Review status: criteria provided, single submitter. Criteria: Myriad Autosomal Dominant, Autosomal Recessive and X-Linked Classification Criteria (2023). Collection method: clinical testing. Allele origin: unknown.
Comment: NM_001369.2(DNAH5):c.9368_9369ins13(A3124Yfs*8) is expected to be pathogenic in the context of primary ciliary dyskinesia, DNAH5-related. This variant is predicted to lead to an abnormal or absent protein product due to the creation of a premature termination codon in DNAH5, a gene where loss-of-function variants are known to be pathogenic. Please note: this variant was assessed in the context of healthy population screening.

NM_001369.3(DNAH5):c.9368_9369insGTATAAGAGACAG (p.Ala3124fs)

Gene: DNAH5 (dynein axonemal heavy chain 5; minus strand). Cytogenetic location: 5p15.2.
Variant type: Insertion.
Coding change: c.9368_9369insGTATAAGAGACAG on transcript NM_001369.3 (MANE Select); coding-DNA positions 9368 to 9369, GTATAAGAGACAG inserted.
Protein change: p.Ala3124fs; shifts the reading frame from alanine 3124.
Molecular consequence: frameshift variant.
Genome position: GRCh38 VCF-style: chr5-13776443-A-ACTGTCTCTTATAC. GRCh37 (hg19) VCF-style: chr5-13776552-A-ACTGTCTCTTATAC.
Other names: short protein forms A3124fs.
Identifiers: ClinVar variation 5011021 (VCV005011021.1).
Genomic context (GRCh38, chr5:13,776,443, plus strand): 5'-AGAACTAGAATCCTTGAACACATGTTATGCCCTGGCATAAACATTTCCATACTAACCAGC[A>ACTGTCTCTTATAC]ACTAAAGCATCTTTGGGCCATCGGCTGAACCAGTCAATTGTGCATCCTGAAATTAGGGCA-3'